The following is an entry in ClinVar:

ClinVar aggregate classification (germline): Uncertain significance (1 of 4 stars; one submission).

Submission:

GeneDx
Classification: Uncertain significance. Last evaluated: 2026-03-21. Review status: criteria provided, single submitter. Criteria: GeneDx Variant Classification Process June 2021. Collection method: clinical testing. Allele origin: germline.
Comment: Not observed at significant frequency in large population cohorts (gnomAD); In silico analysis supports that this missense variant has a deleterious effect on protein structure/function; Has not been previously published as pathogenic or benign to our knowledge

NM_003185.4(TAF4):c.1606C>G (p.Pro536Ala)

Gene: TAF4 (TATA-box binding protein associated factor 4; minus strand). Cytogenetic location: 20q13.33.
Variant type: single nucleotide variant.
Coding change: c.1606C>G on transcript NM_003185.4 (MANE Select); coding-DNA position 1606, C replaced by G.
Protein change: p.Pro536Ala; replaces proline 536 with alanine.
Molecular consequence: missense variant.
Genome position (GRCh38, 1-based): chr20:62,012,850, G>C on the plus strand (C>G on the coding strand, the complement: TAF4 is on the minus strand). VCF-style: chr20-62012850-G-C. GRCh37 (hg19) VCF-style: chr20-60587906-G-C.
Other names: short protein forms P536A.
Identifiers: ClinVar variation 5009386 (VCV005009386.1).